The following is an entry in ClinVar:

ClinVar aggregate classification (germline): Uncertain significance. Review status: criteria provided, multiple submitters, no conflicts (2 of 4 stars). 4 submissions from 4 submitters: Uncertain significance (4). Last evaluated 2026-03-05.

Conditions:
Hereditary cancer-predisposing syndrome. Also called: Neoplastic Syndromes, Hereditary; Hereditary Cancer Syndrome; Hereditary neoplastic syndrome; Tumor predisposition. Identifiers: Orphanet 140162, MedGen C0027672, MeSH D009386, MONDO:0015356.
Hereditary diffuse gastric adenocarcinoma (HDGC). Also called: DIFFUSE GASTRIC AND LOBULAR BREAST CANCER SYNDROME. Identifiers: Orphanet 26106, MedGen C1708349, MONDO:0007648, OMIM 137215.

Submissions (4):

Mendelics
Classification: Uncertain significance for Hereditary diffuse gastric adenocarcinoma. Last evaluated: 2026-03-05. Review status: criteria provided, single submitter. Criteria: ACMG Guidelines, 2015. Collection method: clinical testing. Allele origin: unknown.
Comment: The available evidence is insufficient to conclusively determine the role of this variant. Therefore, it is classified as a Variant of Uncertain Significance.

Labcorp Genetics (formerly Invitae), Labcorp
Classification: Uncertain significance for Hereditary diffuse gastric adenocarcinoma. Last evaluated: 2026-01-11. Review status: criteria provided, single submitter. Criteria: Invitae Variant Classification Sherloc (09022015). Collection method: clinical testing. Allele origin: germline.
Comment: This sequence change affects a donor splice site in intron 3 of the CDH1 gene. RNA analysis indicates that disruption of this splice site induces altered splicing and likely results in the loss of 53 or insertion of 19 amino acid residue(s), but is expected to preserve the integrity of the reading-frame. This variant is not present in population databases (gnomAD no frequency). Disruption of this splice site has been observed in individual(s) with breast cancer. However, it has not been observed in individuals with hereditary diffuse gastric cancer (PMID: 31206626; internal data). ClinVar contains an entry for this variant (Variation ID: 824323). Studies have shown that disruption of this splice site results in the activation of a cryptic splice site in intron 3 and exon 2 (Poster G20 in an online resource(16)30178-7/pdf). In summary, the available evidence is currently insufficient to determine the role of this variant in disease. Therefore, it has been classified as a Variant of Uncertain Significance.

Ambry Genetics
Classification: Uncertain significance for Hereditary cancer-predisposing syndrome. Last evaluated: 2023-06-26. Review status: criteria provided, single submitter. Criteria: Ambry Variant Classification Scheme 2023. Collection method: clinical testing. Allele origin: germline.
Comment: The c.387+2T>A intronic variant results from a T to A substitution two nucleotides after coding exon 3 in the CDH1 gene. This nucleotide position is highly conserved in available vertebrate species. In silico splice site analysis predicts that this alteration will weaken the native splice donor site. RNA studies have demonstrated that this alteration results in multiple in-frame splicing events of unknown functional significance (Ambry internal data). Another alteration at this same splice donor site, c.387+1G>A, is also predicted by in silico models to disrupt splicing. Internal RNA studies demonstrated that the c.387+1G>A variant similarly results in multiple in-frame splicing events of unknown functional significance (Ambry internal data). In addition, the c.387+2T>A alteration has been identified in individuals that do not have a personal or family history suggestive of hereditary diffuse gastric cancer (Ambry internal data). Since supporting evidence is conflicting at this time, the clinical significance of this alteration remains unclear.

Color Diagnostics, LLC DBA Color Health
Classification: Uncertain significance for Hereditary cancer-predisposing syndrome. Last evaluated: 2019-04-02. Review status: criteria provided, single submitter. Criteria: ACMG Guidelines, 2015. Collection method: clinical testing. Allele origin: germline.

Literature cited by the submitters: PubMed 31206626 (cited by Labcorp Genetics (formerly Invitae), Labcorp).

NM_004360.5(CDH1):c.387+2T>A

Gene: CDH1 (cadherin 1; plus strand). Cytogenetic location: 16q22.1.
Variant type: single nucleotide variant.
Coding change: c.387+2T>A on transcript NM_004360.5 (MANE Select); the canonical splice donor site of the intron after coding-DNA position 387, T replaced by A.
Molecular consequence: splice donor variant.
Genome position (GRCh38, 1-based): chr16:68,801,895, T>A. VCF-style: chr16-68801895-T-A. GRCh37 (hg19) VCF-style: chr16-68835798-T-A.
Other names: c.-1229+2T>A (NM_001317185.2); c.-1433+2T>A (NM_001317186.2); c.387+2T>A (NM_001317184.2).
Identifiers: ClinVar variation 824323 (VCV000824323.16), dbSNP rs903144020, ClinGen allele CA283291643.
Genomic context (GRCh38, chr16:68,801,895, plus strand): 5'-TTTCCACCAAAGTCACGCTGAATACAGTGGGGCACCACCACCGCCCCCCGCCCCATCAGG[T>A]ATGTTGGCATTTTTCTGAGAAGTTCGCTGTTGTTTTAGTGCGCTGTCTAATCCAGGTTTC-3'